The following is an entry in ClinVar:

NM_002691.4(POLD1):c.2753T>C (p.Leu918Pro)

Gene: POLD1 (DNA polymerase delta 1, catalytic subunit; plus strand). Cytogenetic location: 19q13.33.
Variant type: single nucleotide variant.
Coding change: c.2753T>C on transcript NM_002691.4 (MANE Select); coding-DNA position 2753, T replaced by C.
Protein change: p.Leu918Pro; replaces leucine 918 with proline.
Molecular consequence: missense variant.
Genome position (GRCh38, 1-based): chr19:50,415,759, T>C. VCF-style: chr19-50415759-T-C. GRCh37 (hg19) VCF-style: chr19-50919016-T-C.
Other names: c.2753T>C, p.Leu918Pro (NM_001256849.1); c.2831T>C, p.Leu944Pro (NM_001308632.1); short protein forms L944P, L918P.
Identifiers: ClinVar variation 3653179 (VCV003653179.2).

ClinVar aggregate classification (germline): Uncertain significance (1 of 4 stars; one submission).

Conditions:
POLD1-related polyposis and colorectal cancer syndrome (CRCS10). Also called: Colorectal cancer 10; COLORECTAL CANCER, SUSCEPTIBILITY TO, ON CHROMOSOME 19q; Colorectal cancer, susceptibility to, 10. Identifiers: Orphanet 220460, MedGen C2675481, MONDO:0012953, OMIM 612591.

gnomAD v4.1: 1 of 1,466,154 alleles (0.000068%); highest among the groups gnomAD compares: Non-Finnish European, 0.000091%; no homozygotes.

Submission:

Labcorp Genetics (formerly Invitae), Labcorp
Classification: Uncertain significance for POLD1-related polyposis and colorectal cancer syndrome. Last evaluated: 2024-05-14. Review status: criteria provided, single submitter. Criteria: Invitae Variant Classification Sherloc (09022015). Collection method: clinical testing. Allele origin: germline.
Comment: This sequence change replaces leucine, which is neutral and non-polar, with proline, which is neutral and non-polar, at codon 918 of the POLD1 protein (p.Leu918Pro). This variant is not present in population databases (gnomAD no frequency). This variant has not been reported in the literature in individuals affected with POLD1-related conditions. Advanced modeling of protein sequence and biophysical properties (such as structural, functional, and spatial information, amino acid conservation, physicochemical variation, residue mobility, and thermodynamic stability) has been performed at Invitae for this missense variant, however the output from this modeling did not meet the statistical confidence thresholds required to predict the impact of this variant on POLD1 protein function. In summary, the available evidence is currently insufficient to determine the role of this variant in disease. Therefore, it has been classified as a Variant of Uncertain Significance.